The following is an entry in ClinVar:

NM_000593.6(TAP1):c.1937G>C (p.Gly646Ala)

Gene: TAP1 (transporter 1, ATP binding cassette subfamily B member; minus strand). Cytogenetic location: 6p21.32.
Variant type: single nucleotide variant.
Coding change: c.1937G>C on transcript NM_000593.6 (MANE Select); coding-DNA position 1937, G replaced by C.
Protein change: p.Gly646Ala; replaces glycine 646 with alanine.
Molecular consequence: missense variant.
Genome position (GRCh38, 1-based): chr6:32,847,171, C>G on the plus strand (G>C on the coding strand, the complement: TAP1 is on the minus strand). VCF-style: chr6-32847171-C-G. GRCh37 (hg19) VCF-style: chr6-32814948-C-G.
Other names: c.1334G>C, p.Gly445Ala (NM_001292022.2); c.2117G>C (NM_000593.5); short protein forms G445A, G646A.
Identifiers: ClinVar variation 1007064 (VCV001007064.7), dbSNP rs765527607, ClinGen allele CA3746635.
Genomic context (GRCh38, chr6:32,847,171, plus strand): 5'-AGGATAAGTACACACGGTTTCCGGATCAATGCTCGGGCCAACGCCACTGCCTGTCGCTGA[C>G]CCCCTGACAGCTGGCTCCCAGCCTCGTCTACCTCTGCAGAGCAAAGGGCCAAGATGAGAA-3'
Protein context (NP_000584.3, residues 636-656): VDEAGSQLSG[Gly646Ala]QRQAVALARA

ClinVar aggregate classification (germline): Uncertain significance. Review status: criteria provided, multiple submitters, no conflicts (2 of 4 stars). 2 submissions from 2 submitters: Uncertain significance (2). Last evaluated 2025-08-27.

Conditions:
MHC class I deficiency. Identifiers: Orphanet 34592, MedGen C6024714, MONDO:0011476.
Inborn genetic diseases. Identifiers: MedGen C0950123, MeSH D030342.

Allele frequency attached by ClinVar (database versions not stated): ExAC 0.00001; gnomAD 0.00001; TOPMed 0.00001.
gnomAD v4.1: 13 of 1,612,472 alleles (0.00081%); highest among the groups gnomAD compares: Non-Finnish European, 0.001%; no homozygotes.

Submissions (2):

Ambry Genetics
Classification: Uncertain significance for Inborn genetic diseases. Last evaluated: 2025-08-27. Review status: criteria provided, single submitter. Criteria: Ambry Variant Classification Scheme 2023. Collection method: clinical testing. Allele origin: germline.

Labcorp Genetics (formerly Invitae), Labcorp
Classification: Uncertain significance for MHC class I deficiency 1. Last evaluated: 2022-07-12. Review status: criteria provided, single submitter. Criteria: Invitae Variant Classification Sherloc (09022015). Collection method: clinical testing. Allele origin: germline.
Comment: In summary, the available evidence is currently insufficient to determine the role of this variant in disease. Therefore, it has been classified as a Variant of Uncertain Significance. Algorithms developed to predict the effect of missense changes on protein structure and function are either unavailable or do not agree on the potential impact of this missense change (SIFT: "Deleterious"; PolyPhen-2: "Probably Damaging"; Align-GVGD: "Class C0"). ClinVar contains an entry for this variant (Variation ID: 1007064). This variant has not been reported in the literature in individuals affected with TAP1-related conditions. This variant is present in population databases (rs765527607, gnomAD 0.002%). This sequence change replaces glycine, which is neutral and non-polar, with alanine, which is neutral and non-polar, at codon 706 of the TAP1 protein (p.Gly706Ala).